The following is an entry in ClinVar:

NM_006949.4(STXBP2):c.960+4G>C

Gene: STXBP2 (syntaxin binding protein 2; plus strand). Cytogenetic location: 19p13.2.
Variant type: single nucleotide variant.
Coding change: c.960+4G>C on transcript NM_006949.4 (MANE Select); 4 bases into the intron after coding-DNA position 960, G replaced by C.
Molecular consequence: intron variant.
Genome position (GRCh38, 1-based): chr19:7,642,827, G>C. VCF-style: chr19-7642827-G-C. GRCh37 (hg19) VCF-style: chr19-7707713-G-C.
Other names: c.864+4G>C (NM_001414484.1); c.993+4G>C (NM_001272034.2); c.951+4G>C (NM_001127396.3).
Identifiers: ClinVar variation 2813533 (VCV002813533.3), dbSNP rs2512699668, ClinGen allele CA2576599678.
Genomic context (GRCh38, chr19:7,642,827, plus strand): 5'-AAGGTCACGGAGCTCCTGAGGACCTTCTGTGAGAGCAAGAGGCTGACCACGGACAAGGTA[G>C]GGGCGGACCCAGGTCACCAAAGGCGCTGGTGGAAGGAAGCCCCCCTCCCCATGGGCGCAG-3'

ClinVar aggregate classification (germline): Uncertain significance (1 of 4 stars; one submission).

Conditions:
Familial hemophagocytic lymphohistiocytosis 5. Also called: STXBP2-Related Familial Hemophagocytic Lymphohistiocytosis (STXBP2-fHLH). Identifiers: Orphanet 540, MedGen C2751293, MONDO:0013135, OMIM 613101.

Submission:

Labcorp Genetics (formerly Invitae), Labcorp
Classification: Uncertain significance for Familial hemophagocytic lymphohistiocytosis 5. Last evaluated: 2022-11-10. Review status: criteria provided, single submitter. Criteria: Invitae Variant Classification Sherloc (09022015). Collection method: clinical testing. Allele origin: germline.
Comment: This sequence change falls in intron 11 of the STXBP2 gene. It does not directly change the encoded amino acid sequence of the STXBP2 protein. It affects a nucleotide within the consensus splice site. This variant is not present in population databases (gnomAD no frequency). This variant has not been reported in the literature in individuals affected with STXBP2-related conditions. Variants that disrupt the consensus splice site are a relatively common cause of aberrant splicing (PMID: 17576681, 9536098). Algorithms developed to predict the effect of sequence changes on RNA splicing suggest that this variant is not likely to affect RNA splicing. In summary, the available evidence is currently insufficient to determine the role of this variant in disease. Therefore, it has been classified as a Variant of Uncertain Significance.

Literature cited by the submitters: PubMed 17576681; PubMed 9536098.